The following is an entry in ClinVar:

NM_004484.4(GPC3):c.733C>A (p.His245Asn)

Gene: GPC3 (glypican 3; minus strand). Cytogenetic location: Xq26.2.
Variant type: single nucleotide variant.
Coding change: c.733C>A on transcript NM_004484.4 (MANE Select); coding-DNA position 733, C replaced by A.
Protein change: p.His245Asn; replaces histidine 245 with asparagine.
Molecular consequence: missense variant.
Genome position (GRCh38, 1-based): chrX:133,753,781, G>T on the plus strand (C>A on the coding strand, the complement: GPC3 is on the minus strand). VCF-style: chrX-133753781-G-T. GRCh37 (hg19) VCF-style: chrX-132887808-G-T.
Other names: c.733C>A, p.His245Asn (NM_001164617.2); c.685C>A, p.His229Asn (NM_001164618.2); c.571C>A, p.His191Asn (NM_001164619.2); short protein forms H245N, H229N, H191N.
Identifiers: ClinVar variation 660986 (VCV000660986.15), dbSNP rs199778216, ClinGen allele CA10520805.

ClinVar aggregate classification (germline): Conflicting classifications of pathogenicity. Review status: criteria provided, conflicting classifications (1 of 4 stars). 2 submissions from 2 submitters: Uncertain significance (1); Likely benign (1). Last evaluated 2024-08-21.

Conditions:
Wilms tumor 1 (WT1). Also called: Wilms tumor, somatic. Identifiers: Orphanet 654, MedGen CN033288, MONDO:0008679, OMIM 194070.

Allele frequency attached by ClinVar (database versions not stated): gnomAD 0.00002 and 0.00003; TOPMed 0.00002; ExAC 0.00003; gnomAD exomes 0.00005; 1000 Genomes Project 30x 0.00021; 1000 Genomes Project 0.00026.
gnomAD v4.1: 24 of 1,210,012 alleles (0.002%); highest among the groups gnomAD compares: Non-Finnish European, 0.001%; no homozygotes.

Submissions (2):

Labcorp Genetics (formerly Invitae), Labcorp
Classification: Likely benign for Wilms tumor 1. Last evaluated: 2024-08-21. Review status: criteria provided, single submitter. Criteria: Invitae Variant Classification Sherloc (09022015). Collection method: clinical testing. Allele origin: germline.

Centre for Mendelian Genomics, University Medical Centre Ljubljana
Classification: Uncertain significance for Wilms tumor 1. Last evaluated: 2019-08-20. Review status: criteria provided, single submitter. Criteria: ACMG Guidelines, 2015. Collection method: clinical testing. Allele origin: unknown. Affected: yes.
Comment: This variant was classified as: Uncertain significance. The available evidence on this variant's pathogenicity is insufficient or conflicting. The following ACMG criteria were applied in classifying this variant: PM2. This variant was detected in hemizygous state.